The following is an entry in ClinVar:

NM_000632.4(ITGAM):c.2404G>C (p.Val802Leu)

Gene: ITGAM (integrin subunit alpha M; plus strand). Cytogenetic location: 16p11.2.
Variant type: single nucleotide variant.
Coding change: c.2404G>C on transcript NM_000632.4 (MANE Select); coding-DNA position 2404, G replaced by C.
Protein change: p.Val802Leu; replaces valine 802 with leucine.
Molecular consequence: missense variant.
Genome position (GRCh38, 1-based): chr16:31,325,303, G>C. VCF-style: chr16-31325303-G-C. GRCh37 (hg19) VCF-style: chr16-31336624-G-C.
Other names: c.2407G>C, p.Val803Leu (NM_001145808.2); short protein forms V802L, V803L.
Identifiers: ClinVar variation 2175407 (VCV002175407.4), dbSNP rs1000524164, ClinGen allele CA280617756.

ClinVar aggregate classification (germline): Uncertain significance (1 of 4 stars; one submission).

Allele frequency attached by ClinVar (database versions not stated): gnomAD 0.00001; TOPMed 0.00002.
gnomAD v4.1: 4 of 1,613,738 alleles (0.00025%); highest among the groups gnomAD compares: African/African-American, 0.004%; no homozygotes.

Submission:

Labcorp Genetics (formerly Invitae), Labcorp
Classification: Uncertain significance. Last evaluated: 2022-01-27. Review status: criteria provided, single submitter. Criteria: Invitae Variant Classification Sherloc (09022015). Collection method: clinical testing. Allele origin: germline.
Comment: In summary, the available evidence is currently insufficient to determine the role of this variant in disease. Therefore, it has been classified as a Variant of Uncertain Significance. Algorithms developed to predict the effect of missense changes on protein structure and function (SIFT, PolyPhen-2, Align-GVGD) all suggest that this variant is likely to be tolerated. This variant has not been reported in the literature in individuals affected with ITGAM-related conditions. This variant is not present in population databases (gnomAD no frequency). This sequence change replaces valine, which is neutral and non-polar, with leucine, which is neutral and non-polar, at codon 802 of the ITGAM protein (p.Val802Leu).